The following is an entry in ClinVar:

ClinVar aggregate classification (germline): Conflicting classifications of pathogenicity. Review status: criteria provided, conflicting classifications (1 of 4 stars). 8 submissions from 8 submitters: Uncertain significance (5); Likely benign (3). Last evaluated 2026-05-06.

Conditions:
Cardiovascular phenotype. Identifiers: MedGen CN230736.
TTN-related disorder. Also called: TTN-related condition; TTN-related disease; TTN-related disorders.
Autosomal recessive limb-girdle muscular dystrophy type 2J (LGMDR10). Also called: MUSCULAR DYSTROPHY, LIMB-GIRDLE, AUTOSOMAL RECESSIVE 10; Limb-girdle muscular dystrophy, type 2J. Identifiers: Orphanet 140922, MedGen C1837342, MONDO:0012127, OMIM 608807.
Dilated cardiomyopathy 1G (CMD1G). Identifiers: Orphanet 154, MedGen C1858763, MONDO:0011400, OMIM 604145.

Allele frequency attached by ClinVar (database versions not stated): gnomAD exomes 0.00006 and 0.00011; ExAC 0.00007; ESP Exome Variant Server 0.00008; gnomAD 0.00019; 1000 Genomes Project 0.00020; 1000 Genomes Project 30x 0.00031; TOPMed 0.00018.
gnomAD v4.1: 111 of 1,613,786 alleles (0.0069%); highest among the groups gnomAD compares: Admixed American, 0.045%; 1 homozygote.

Submissions (8):

PreventionGenetics, part of Exact Sciences
Classification: Uncertain significance for TTN-related condition. Last evaluated: 2026-05-06. Review status: criteria provided, single submitter. Criteria: ACMG Guidelines, 2015. Collection method: clinical testing. Allele origin: germline.
Comment: The TTN c.86723A>G variant is predicted to result in the amino acid substitution p.Asn28908Ser. To our knowledge, this variant has not been reported in the literature. This variant is reported in 0.048% of alleles in individuals of Latino descent in gnomAD, including 1 homozygous individual. This variant has conflicting interpretations regarding its pathogenicity in ClinVar, ranging from likely benign to uncertain (Variation ID: 238857). Although we suspect that this variant may be benign, at this time, the clinical significance of this variant is uncertain due to the absence of conclusive functional and genetic evidence.

Women's Health and Genetics/Laboratory Corporation of America, LabCorp
Classification: Uncertain significance. Last evaluated: 2025-09-11. Review status: criteria provided, single submitter. Criteria: LabCorp Variant Classification Summary - May 2015. Collection method: clinical testing. Allele origin: germline.
Comment: Variant summary: TTN c.79019A>G (p.Asn26340Ser) results in a conservative amino acid change in the encoded protein sequence. Algorithms developed to predict the effect of missense changes on protein structure and function are either unavailable or do not agree on the potential impact of this missense change. The variant allele was found at a frequency of 0.00011 in 248988 control chromosomes in the gnomAD database, including 1 homozygotes. This frequency is not significantly higher than estimated for disease-causing variants in TTN, allowing no conclusion about variant significance. To our knowledge, no occurrence of c.79019A>G in individuals affected with TTN-related conditions and no experimental evidence demonstrating its impact on protein function have been reported. ClinVar contains an entry for this variant (Variation ID: 238857). Based on the evidence outlined above, the variant was classified as uncertain significance.

Blueprint Genetics
Classification: Likely benign. Last evaluated: 2024-11-05. Review status: criteria provided, single submitter. Criteria: ACMG Guidelines, 2015. Collection method: clinical testing. Allele origin: germline.

ARUP Laboratories, Molecular Genetics and Genomics, ARUP Laboratories
Classification: Uncertain significance. Last evaluated: 2023-08-16. Review status: criteria provided, single submitter. Criteria: ARUP Molecular Germline Variant Investigation Process 2024. Collection method: clinical testing. Allele origin: germline.
Comment: The TTN c.86723A>G; p.Asn28908Ser variant (rs377612718; ClinVar Variation ID: 238857) is rare in the general population (<0.2% allele frequency in the Genome Aggregation Database) and has not been reported in the medical literature in association with dilated cardiomyopathy (DCM) or other TTN-related disease. The clinical relevance of rare missense variants in this gene, which are identified on average once per individual sequenced in affected populations (Herman 2012), is not well understood. Yet, evidence suggests that the vast majority of such missense variants do not contribute to the clinical outcome of DCM (Begay 2015). Thus, the clinical significance of the p.Asn28908Ser variant cannot be determined with certainty. References: Begay RL et al. Role of Titin Missense Variants in Dilated Cardiomyopathy. J Am Heart Assoc. 2015 Nov 13;4(11). PMID: 26567375. Herman DS et al. Truncations of titin causing dilated cardiomyopathy. N Engl J Med. 2012 Feb 16;366(7):619-28. PMID: 22335739. Linke WA and Hamdani N. Gigantic business: titin properties and function through thick and thin. Circ Res 2014; 114(6): 1052-1068. PMID: 24625729.

Revvity Omics, Revvity
Classification: Uncertain significance. Last evaluated: 2020-08-10. Review status: criteria provided, single submitter. Criteria: ACMG Guidelines, 2015. Collection method: clinical testing. Allele origin: germline.

Ambry Genetics
Classification: Likely benign for Cardiovascular phenotype. Last evaluated: 2020-03-20. Review status: criteria provided, single submitter. Criteria: Ambry Variant Classification Scheme 2023. Collection method: clinical testing. Allele origin: germline.

GeneDx
Classification: Likely benign. Last evaluated: 2018-03-05. Review status: criteria provided, single submitter. Criteria: GeneDx Variant Classification (06012015). Collection method: clinical testing. Allele origin: germline. Affected: yes.
Comment: This variant is considered likely benign or benign based on one or more of the following criteria: it is a conservative change, it occurs at a poorly conserved position in the protein, it is predicted to be benign by multiple in silico algorithms, and/or has population frequency not consistent with disease.

Labcorp Genetics (formerly Invitae), Labcorp
Classification: Uncertain significance for Dilated cardiomyopathy 1G; Autosomal recessive limb-girdle muscular dystrophy type 2J. Last evaluated: 2017-11-06. Review status: criteria provided, single submitter. Criteria: Invitae Variant Classification Sherloc (09022015). Collection method: clinical testing. Allele origin: germline.

NM_001267550.2(TTN):c.86723A>G (p.Asn28908Ser)

Genes: TTN-AS1 (TTN antisense RNA 1; plus strand), TTN (titin; minus strand). Cytogenetic location: 2q31.2.
Variant type: single nucleotide variant.
Coding change: c.86723A>G on transcript NM_001267550.2 (MANE Select); coding-DNA position 86723, A replaced by G.
Protein change: p.Asn28908Ser; replaces asparagine 28908 with serine.
Molecular consequence: missense variant.
Genome position (GRCh38, 1-based): chr2:178,559,409, T>C on the plus strand (A>G on the coding strand, the complement: TTN is on the minus strand). VCF-style: chr2-178559409-T-C. GRCh37 (hg19) VCF-style: chr2-179424136-T-C.
Other names: c.81800A>G, p.Asn27267Ser (NM_001256850.1); c.59528A>G, p.Asn19843Ser (NM_003319.4); c.79019A>G, p.Asn26340Ser (NM_133378.4); c.59903A>G, p.Asn19968Ser (NM_133432.3); c.60104A>G, p.Asn20035Ser (NM_133437.4); short protein forms N28908S, N27267S, N26340S, N19843S, N19968S, N20035S.
Identifiers: ClinVar variation 238857 (VCV000238857.12), dbSNP rs377612718, ClinGen allele CA1988448.